The following is an entry in ClinVar:

NM_012330.4(KAT6B):c.5945TGAACA[4] (p.1984MN[3])

Gene: KAT6B (lysine acetyltransferase 6B; plus strand). Cytogenetic location: 10q22.2.
Variant type: Microsatellite.
Coding change: c.5945TGAACA[4] on transcript NM_012330.4 (MANE Select); four copies in a row of the 6-base unit TGAACA starting at c.5945; the reference has three copies in a row; one copy, 6 bases duplicated.
Protein change: p.1984MN[3].
Molecular consequence: inframe insertion.
Genome position (GRCh38, 1-based): chr10:75,030,781-75,030,786, TGAACA duplicated; duplicating any 6 consecutive bases within chr10:75,030,769-75,030,786 gives the same sequence; the position shown is the placement nearest the transcript's 3' end. VCF-style (leftmost placement, unchanged base first): chr10-75030768-G-GTGAACA. GRCh37 (hg19) VCF-style: chr10-76790526-G-GTGAACA.
Other names: c.5396TGAACA[4], p.1801MN[3] (NM_001256468.2, NM_001370138.1); c.5069TGAACA[4], p.1692MN[3] (NM_001256469.2, NM_001370139.1, NM_001370140.1 and 2 more transcripts); c.4907TGAACA[4], p.1638MN[3] (NM_001370132.1); c.4256TGAACA[4], p.1421MN[3] (NM_001370133.1); c.3860TGAACA[4], p.1289MN[3] (NM_001370134.1); c.3602TGAACA[4], p.1203MN[3] (NM_001370135.1); c.5945TGAACA[4], p.1984MN[3] (NM_001370136.1, NM_001370137.1); c.4880TGAACA[4], p.1629MN[3] (NM_001370143.1, NM_001370144.1).
Identifiers: ClinVar variation 1314688 (VCV001314688.2), dbSNP rs1366606812, ClinGen allele CA2580615518.

ClinVar aggregate classification (germline): Uncertain significance (1 of 4 stars; one submission).

Submission:

GeneDx
Classification: Uncertain significance. Last evaluated: 2021-04-20. Review status: criteria provided, single submitter. Criteria: GeneDx Variant Classification Process June 2021. Collection method: clinical testing. Allele origin: germline. Affected: yes.
Comment: Not observed in large population cohorts (Lek et al., 2016); Has not been previously published as pathogenic or benign to our knowledge; In-frame insertion of 2 amino acids